The following is an entry in ClinVar:

NM_003476.5(CSRP3):c.209G>T (p.Gly70Val)

Gene: CSRP3 (cysteine and glycine rich protein 3; minus strand). Cytogenetic location: 11p15.1.
Variant type: single nucleotide variant.
Coding change: c.209G>T on transcript NM_003476.5 (MANE Select); coding-DNA position 209, G replaced by T.
Protein change: p.Gly70Val; replaces glycine 70 with valine.
Molecular consequence: missense variant. On other transcripts: intron variant (1).
Genome position (GRCh38, 1-based): chr11:19,188,208, C>A on the plus strand (G>T on the coding strand, the complement: CSRP3 is on the minus strand). VCF-style: chr11-19188208-C-A. GRCh37 (hg19) VCF-style: chr11-19209755-C-A.
Other names: c.209G>T, p.Gly70Val (NM_001127656.1); c.113-1860G>T (NM_001369404.1); short protein forms G70V.
Identifiers: ClinVar variation 1785866 (VCV001785866.3), dbSNP rs1590104371, ClinGen allele CA379888255.

ClinVar aggregate classification (germline): Uncertain significance (1 of 4 stars; one submission).

Conditions:
Cardiovascular phenotype. Identifiers: MedGen CN230736.

Allele frequency attached by ClinVar (database versions not stated): gnomAD exomes below 0.00001.

Submission:

Ambry Genetics
Classification: Uncertain significance for Cardiovascular phenotype. Last evaluated: 2024-04-19. Review status: criteria provided, single submitter. Criteria: Ambry Variant Classification Scheme 2023. Collection method: clinical testing. Allele origin: germline.
Comment: The p.G70V variant (also known as c.209G>T), located in coding exon 2 of the CSRP3 gene, results from a G to T substitution at nucleotide position 209. The glycine at codon 70 is replaced by valine, an amino acid with dissimilar properties. This amino acid position is conserved. In addition, this alteration is predicted to be deleterious by in silico analysis. Since supporting evidence is limited at this time, the clinical significance of this alteration remains unclear.